The following is an entry in ClinVar:

NM_022089.4(ATP13A2):c.*120A>T

Gene: ATP13A2 (ATPase cation transporting 13A2; minus strand). Cytogenetic location: 1p36.13.
Variant type: single nucleotide variant.
Coding change: c.*120A>T on transcript NM_022089.4 (MANE Select); 120 bases downstream of the stop codon, A replaced by T.
Molecular consequence: 3 prime UTR variant. On other transcripts: missense variant (1).
Genome position (GRCh38, 1-based): chr1:16,986,101, T>A on the plus strand (A>T on the coding strand, the complement: ATP13A2 is on the minus strand). VCF-style: chr1-16986101-T-A. GRCh37 (hg19) VCF-style: chr1-17312596-T-A.
Other names: c.*120A>T (NM_001141973.3); c.3361A>T, p.Thr1121Ser (NM_001141974.3); short protein forms T1121S.
Identifiers: ClinVar variation 493023 (VCV000493023.52), dbSNP rs41273151, ClinGen allele CA636427.

ClinVar aggregate classification (germline): Benign/Likely benign. Review status: criteria provided, multiple submitters, no conflicts (2 of 4 stars). 9 submissions from 9 submitters: Benign (1); Likely benign (4). 4 of the submissions do not count toward it. Last evaluated 2026-09-01.

Conditions:
ATP13A2-related disorder. Also called: ATP13A2-related condition; ATP13A2-related disorders.
Kufor-Rakeb syndrome (KRS). Also called: PARKINSON DISEASE 9, AUTOSOMAL RECESSIVE, JUVENILE-ONSET. Identifiers: Orphanet 306674, Orphanet 314632, MedGen C1847640, MONDO:0011706, OMIM 606693.
Isolated cerebellar hypoplasia/agenesis (CHEGDD). Also called: Cerebellar hypoplasia/atrophy, epilepsy, and global developmental delay. Identifiers: Orphanet 1398, Orphanet 2246, MedGen C5231391, MONDO:0008939, OMIM 213000.

Allele frequency attached by ClinVar (database versions not stated): 1000 Genomes Project 30x 0.00234; 1000 Genomes Project 0.00240; ESP Exome Variant Server 0.00329; gnomAD 0.00406 and 0.00422; TOPMed 0.00428; ExAC 0.00649.
gnomAD v4.1: 8,298 of 1,555,544 alleles (0.53%); highest among the groups gnomAD compares: Non-Finnish European, 0.65%; 24 homozygotes.

Submissions (9):

CeGaT Center for Human Genetics Tuebingen
Classification: Likely benign. Last evaluated: 2026-09-01. Review status: criteria provided, single submitter. Criteria: CeGaT Center For Human Genetics Tuebingen Variant Classification Criteria Version 2. Collection method: clinical testing. Allele origin: germline. Affected: yes. Observed: 29 variant alleles.
Comment: ATP13A2: PP3, BS2

Blueprint Genetics
Classification: Likely benign. Last evaluated: 2024-11-21. Review status: criteria provided, single submitter. Criteria: ACMG Guidelines, 2015. Collection method: clinical testing. Allele origin: germline.

Cambridge Genomics Laboratory, East Genomic Laboratory Hub, NHS Genomic Medicine Service
Classification: Likely benign for Isolated cerebellar hypoplasia/agenesis. Last evaluated: 2019-04-17. Review status: criteria provided, single submitter. Criteria: ACGS Best Practice Guidelines for Variant Classification in Rare Disease 2020. Collection method: clinical testing. Allele origin: germline. Affected: yes. Observed: 1 variant allele.

Illumina Laboratory Services, Illumina
Classification: Benign for Kufor-Rakeb syndrome. Last evaluated: 2018-01-13. Review status: criteria provided, single submitter. Criteria: ICSL Variant Classification Criteria 13 December 2019. Collection method: clinical testing. Allele origin: germline.
Comment: This variant was observed in the ICSL laboratory as part of a predisposition screen in an ostensibly healthy population. It had not been previously curated by ICSL or reported in the Human Gene Mutation Database (HGMD: prior to June 1st, 2018), and was therefore a candidate for classification through an automated scoring system. Utilizing variant allele frequency, disease prevalence and penetrance estimates, and inheritance mode, an automated score was calculated to assess if this variant is too frequent to cause the disease. Based on the score and internal cut-off values, a variant classified as benign is not then subjected to further curation. The score for this variant resulted in a classification of benign for this disease.

Breakthrough Genomics
Classification: Likely benign. Review status: criteria provided, single submitter. Criteria: ACMG Guidelines, 2015. Collection method: not provided. Allele origin: germline. Inheritance: Autosomal recessive inheritance. Affected: yes.

PreventionGenetics, part of Exact Sciences
Classification: Likely benign for ATP13A2-related condition. Last evaluated: 2019-09-20. Review status: no assertion criteria provided. Collection method: clinical testing. Allele origin: germline. Not counted in ClinVar's aggregate classification.
Comment: This variant is classified as likely benign based on ACMG/AMP sequence variant interpretation guidelines (Richards et al. 2015 PMID: 25741868, with internal and published modifications).

Clinical Genetics DNA and cytogenetics Diagnostics Lab, Erasmus MC, Erasmus Medical Center
Classification: Likely benign. Review status: no assertion criteria provided. Collection method: clinical testing. Allele origin: germline. Affected: yes. Study: VKGL Data-share Consensus. Not counted in ClinVar's aggregate classification.

Diagnostic Laboratory, Department of Genetics, University Medical Center Groningen
Classification: Likely benign for Kufor-Rakeb syndrome. Review status: no assertion criteria provided. Collection method: clinical testing. Allele origin: germline. Affected: yes. Study: VKGL Data-share Consensus. Not counted in ClinVar's aggregate classification.

Genome Diagnostics Laboratory, Amsterdam University Medical Center
Classification: Likely benign. Review status: no assertion criteria provided. Collection method: clinical testing. Allele origin: germline. Affected: yes. Study: VKGL Data-share Consensus. Not counted in ClinVar's aggregate classification.